The following is an entry in ClinVar:

ClinVar aggregate classification (germline): Uncertain significance (1 of 4 stars; one submission).

Submission:

Labcorp Genetics (formerly Invitae), Labcorp
Classification: Uncertain significance. Last evaluated: 2022-05-09. Review status: criteria provided, single submitter. Criteria: Invitae Variant Classification Sherloc (09022015). Collection method: clinical testing. Allele origin: germline.
Comment: In summary, the available evidence is currently insufficient to determine the role of this variant in disease. Therefore, it has been classified as a Variant of Uncertain Significance. Algorithms developed to predict the effect of missense changes on protein structure and function are either unavailable or do not agree on the potential impact of this missense change (SIFT: "Not Available"; PolyPhen-2: "Possibly Damaging"; Align-GVGD: "Not Available"). This variant has not been reported in the literature in individuals affected with UNC80-related conditions. This variant is not present in population databases (gnomAD no frequency). This sequence change replaces arginine, which is basic and polar, with glycine, which is neutral and non-polar, at codon 947 of the UNC80 protein (p.Arg947Gly).

NM_001371986.1(UNC80):c.2839A>G (p.Arg947Gly)

Gene: UNC80 (unc-80 homolog, NALCN channel complex subunit; plus strand). Cytogenetic location: 2q34.
Variant type: single nucleotide variant.
Coding change: c.2839A>G on transcript NM_001371986.1 (MANE Select); coding-DNA position 2839, A replaced by G.
Protein change: p.Arg947Gly; replaces arginine 947 with glycine.
Molecular consequence: missense variant.
Genome position (GRCh38, 1-based): chr2:209,834,065, A>G. VCF-style: chr2-209834065-A-G. GRCh37 (hg19) VCF-style: chr2-210698789-A-G.
Other names: c.2839A>G, p.Arg947Gly (NM_032504.2); c.2824A>G, p.Arg942Gly (NM_182587.4); short protein forms R942G, R947G.
Identifiers: ClinVar variation 1992462 (VCV001992462.3), dbSNP rs2470991072, ClinGen allele CA350411564.
Genomic context (GRCh38, chr2:209,834,065, plus strand): 5'-CTGTATTGTGACATTCGTCAGCTGGTCCAGTTTATCAAAGAGGCTCATGGGAATGTCTTC[A>G]GGAGAGTGGCCCTCAGCGCTCTGCTTGACAGTGCCGAGAAGTTAGCACCAGGGAAAAAGG-3'
Protein context (NP_001358915.1, residues 937-957): FIKEAHGNVF[Arg947Gly]RVALSALLDS